The following is an entry in ClinVar:

ClinVar aggregate classification (germline): Pathogenic (1 of 4 stars; one submission).

Conditions:
Cardiomyopathy (CMYO). Also called: Cardiomyopathies. Identifiers: Orphanet 167848, MedGen C0878544, MONDO:0004994, HP:0001638. Inheritance: Various modes of inheritance.

Submission:

Color Diagnostics, LLC DBA Color Health
Classification: Pathogenic for Cardiomyopathy. Last evaluated: 2019-07-20. Review status: criteria provided, single submitter. Criteria: ACMG Guidelines, 2015. Collection method: clinical testing. Allele origin: germline.
Comment: This variant changes 1 nucleotide in exon 23 of the DSP gene, creating a premature translation stop signal. This variant is expected to result in an absent or non-functional protein product. Computational splicing tools suggest that this variant may not impact RNA splicing. To our knowledge, functional studies have not been performed for this variant nor has this variant been reported in individuals affected with cardiovascular disorders in the literature. This variant has not been identified in the general population by the Genome Aggregation Database (gnomAD). Loss of DSP function is a known mechanism of disease. Based on available evidence, this variant is classified as Pathogenic.

NM_004415.4(DSP):c.4085T>A (p.Leu1362Ter)

Gene: DSP (desmoplakin; plus strand). Cytogenetic location: 6p24.3.
Variant type: single nucleotide variant.
Coding change: c.4085T>A on transcript NM_004415.4 (MANE Select); coding-DNA position 4085, T replaced by A.
Protein change: p.Leu1362Ter; replaces leucine 1362 with a stop codon.
Molecular consequence: nonsense. On other transcripts: intron variant (2).
Genome position (GRCh38, 1-based): chr6:7,580,275, T>A. VCF-style: chr6-7580275-T-A. GRCh37 (hg19) VCF-style: chr6-7580508-T-A.
Other names: c.4050+35T>A (NM_001319034.2); c.3582+503T>A (NM_001008844.3); short protein forms L1362*.
Identifiers: ClinVar variation 922154 (VCV000922154.3), dbSNP rs1759383581, ClinGen allele CA362685520.